The following is an entry in ClinVar:

ClinVar aggregate classification (germline): Uncertain significance (1 of 4 stars; one submission).

Submission:

Labcorp Genetics (formerly Invitae), Labcorp
Classification: Uncertain significance. Last evaluated: 2022-03-03. Review status: criteria provided, single submitter. Criteria: Invitae Variant Classification Sherloc (09022015). Collection method: clinical testing. Allele origin: germline.
Comment: This variant has not been reported in the literature in individuals affected with MYO5B-related conditions. In summary, the available evidence is currently insufficient to determine the role of this variant in disease. Therefore, it has been classified as a Variant of Uncertain Significance. Algorithms developed to predict the effect of missense changes on protein structure and function are either unavailable or do not agree on the potential impact of this missense change (SIFT: "Deleterious"; PolyPhen-2: "Benign"; Align-GVGD: "Class C0"). This variant is not present in population databases (gnomAD no frequency). This sequence change replaces glutamine, which is neutral and polar, with arginine, which is basic and polar, at codon 1312 of the MYO5B protein (p.Gln1312Arg).

NM_001080467.3(MYO5B):c.3935A>G (p.Gln1312Arg)

Gene: MYO5B (myosin VB; minus strand). Cytogenetic location: 18q21.1.
Variant type: single nucleotide variant.
Coding change: c.3935A>G on transcript NM_001080467.3 (MANE Select); coding-DNA position 3935, A replaced by G.
Protein change: p.Gln1312Arg; replaces glutamine 1312 with arginine.
Molecular consequence: missense variant.
Genome position (GRCh38, 1-based): chr18:49,863,236, T>C on the plus strand (A>G on the coding strand, the complement: MYO5B is on the minus strand). VCF-style: chr18-49863236-T-C. GRCh37 (hg19) VCF-style: chr18-47389606-T-C.
Other names: short protein forms Q1312R.
Identifiers: ClinVar variation 1345961 (VCV001345961.8), dbSNP rs2144078392, ClinGen allele CA402427171.